The following is an entry in ClinVar:

ClinVar aggregate classification (germline): Conflicting classifications of pathogenicity. Review status: criteria provided, conflicting classifications (1 of 4 stars). 9 submissions from 9 submitters: Uncertain significance (8); Likely benign (1). Last evaluated 2025-10-25.

Conditions:
Hereditary cancer-predisposing syndrome. Also called: Tumor predisposition; Hereditary Cancer Syndrome; Neoplastic Syndromes, Hereditary; Hereditary neoplastic syndrome. Identifiers: Orphanet 140162, MedGen C0027672, MeSH D009386, MONDO:0015356.
Tuberous sclerosis 2 (TSC2). Identifiers: Orphanet 805, MedGen C1860707, MONDO:0013199, OMIM 613254.

Allele frequency attached by ClinVar (database versions not stated): gnomAD 0.00001; gnomAD exomes 0.00001; ExAC 0.00002.
gnomAD v4.1: 8 of 1,595,922 alleles (0.0005%); highest among the groups gnomAD compares: Admixed American, 0.007%; no homozygotes.

Submissions (9):

Ambry Genetics
Classification: Uncertain significance for Hereditary cancer-predisposing syndrome. Last evaluated: 2025-10-25. Review status: criteria provided, single submitter. Criteria: Ambry Variant Classification Scheme 2023. Collection method: clinical testing. Allele origin: germline.
Comment: The p.F298S variant (also known as c.893T>C), located in coding exon 9 of the TSC2 gene, results from a T to C substitution at nucleotide position 893. The phenylalanine at codon 298 is replaced by serine, an amino acid with highly dissimilar properties. This amino acid position is highly conserved in available vertebrate species. In addition, this alteration is predicted to be deleterious by in silico analysis. Since supporting evidence is limited at this time, the clinical significance of this alteration remains unclear.

Labcorp Genetics (formerly Invitae), Labcorp
Classification: Likely benign for Tuberous sclerosis 2. Last evaluated: 2025-07-15. Review status: criteria provided, single submitter. Criteria: Invitae Variant Classification Sherloc (09022015). Collection method: clinical testing. Allele origin: germline.

Quest Diagnostics Nichols Institute San Juan Capistrano
Classification: Uncertain significance. Last evaluated: 2025-04-03. Review status: criteria provided, single submitter. Criteria: Quest Diagnostics criteria. Collection method: clinical testing. Allele origin: unknown.

Molecular Pathology, Peter Maccallum Cancer Centre
Classification: Uncertain significance for Tuberous sclerosis 2. Last evaluated: 2025-01-10. Review status: criteria provided, single submitter. Criteria: ACMG Guidelines, 2015. Collection method: clinical testing. Allele origin: germline. Inheritance: Autosomal dominant inheritance.

GeneDx
Classification: Uncertain significance. Last evaluated: 2024-07-19. Review status: criteria provided, single submitter. Criteria: GeneDx Variant Classification Process June 2021. Collection method: clinical testing. Allele origin: germline. Affected: yes.
Comment: In silico analysis supports that this missense variant has a deleterious effect on protein structure/function; Has not been previously published as pathogenic or benign to our knowledge; This variant is associated with the following publications: (PMID: 18466115)

CeGaT Center for Human Genetics Tuebingen
Classification: Uncertain significance. Last evaluated: 2022-11-01. Review status: criteria provided, single submitter. Criteria: CeGaT Center For Human Genetics Tuebingen Variant Classification Criteria Version 2. Collection method: clinical testing. Allele origin: germline. Affected: yes. Observed: 1 variant allele.
Comment: TSC2: PM2, PP3

St. Jude Molecular Pathology, St. Jude Children's Research Hospital
Classification: Uncertain significance for Tuberous sclerosis 2. Last evaluated: 2021-12-29. Review status: criteria provided, single submitter. Criteria: St. Jude Assertion Criteria 2020. Collection method: clinical testing. Allele origin: germline.
Comment: The TSC2 c.893T>C (p.Phe298Ser) missense change has a maximum subpopulation frequency of 0.0032% in gnomAD v2.1.1 (PM2_supporting). Six of seven in silico tools predict a deleterious effect of this variant on protein function (PP3), but to our knowledge these predictions have not been confirmed by functional assays. To our knowledge, this variant has not been reported in individuals with tuberous sclerosis complex. In summary, this variant meets criteria to be classified as of uncertain significance based on the ACMG/AMP criteria: PM2_Supporting, PP3.

Genome-Nilou Lab
Classification: Uncertain significance for Tuberous sclerosis 2. Last evaluated: 2021-11-07. Review status: criteria provided, single submitter. Criteria: ACMG Guidelines, 2015. Collection method: clinical testing. Allele origin: germline. Affected: no.

Eurofins Ntd Llc (ga)
Classification: Uncertain significance. Last evaluated: 2015-09-28. Review status: criteria provided, single submitter. Criteria: EGL Classification Definitions 2015. Collection method: clinical testing. Allele origin: germline. Observed: 1 variant allele, 1 heterozygote.

NM_000548.5(TSC2):c.893T>C (p.Phe298Ser)

Gene: TSC2 (TSC complex subunit 2; plus strand). Cytogenetic location: 16p13.3.
Variant type: single nucleotide variant.
Coding change: c.893T>C on transcript NM_000548.5 (MANE Select); coding-DNA position 893, T replaced by C.
Protein change: p.Phe298Ser; replaces phenylalanine 298 with serine.
Molecular consequence: missense variant.
Genome position (GRCh38, 1-based): chr16:2,058,791, T>C. VCF-style: chr16-2058791-T-C. GRCh37 (hg19) VCF-style: chr16-2108792-T-C.
Other names: c.893T>C, p.Phe298Ser (NM_001077183.3, NM_001114382.3, NM_001363528.2 and 3 more transcripts); c.782T>C, p.Phe261Ser (NM_001318827.2); c.746T>C, p.Phe249Ser (NM_001318829.2); c.293T>C, p.Phe98Ser (NM_001318831.2); c.926T>C, p.Phe309Ser (NM_001318832.2); c.893T>C (NM_000548.4); short protein forms F298S, F309S, F249S, F261S, F98S.
Identifiers: ClinVar variation 283532 (VCV000283532.52), dbSNP rs747310967, ClinGen allele CA056651.
Genomic context (GRCh38, chr16:2,058,791, plus strand): 5'-TGGGGAACACTTTTAGAGCCTACATGGAGGACGCGCCCCTGCTGAGAGGAGCCGTGTTTT[T>C]TGTGGGCATGGCTCTCTGGGGAGCCCACCGGCTCTATTCTCTCAGGAACTCGCCGACATC-3'
Protein context (NP_000539.2, residues 288-308): DAPLLRGAVF[Phe298Ser]VGMALWGAHR